The following is an entry in ClinVar:

ClinVar aggregate classification (germline): Pathogenic (1 of 4 stars; one submission).

Conditions:
Autosomal recessive polycystic kidney disease (ARPKD). Also called: AR polycystic kidney disease. Identifiers: Orphanet 731, Orphanet 8378, MedGen C0085548, MeSH D017044, MONDO:0009889.

Submission:

Labcorp Genetics (formerly Invitae), Labcorp
Classification: Pathogenic for Autosomal recessive polycystic kidney disease. Last evaluated: 2021-03-09. Review status: criteria provided, single submitter. Criteria: Invitae Variant Classification Sherloc (09022015). Collection method: clinical testing. Allele origin: germline.
Comment: For these reasons, this variant has been classified as Pathogenic. This variant has not been reported in the literature in individuals with PKHD1-related conditions. This variant is a gross deletion of the genomic region encompassing exon(s) 44-48 of the PKHD1 gene. This deletion is out-of-frame, and is expected to create a premature translational stop signal and result in an absent or disrupted protein product. Loss-of-function variants in PKHD1 are known to be pathogenic (PMID: 19940839).

Literature cited by the submitters: PubMed 19940839.

NC_000006.11:g.(?_51732651)_(51752053_?)del

Gene: PKHD1 (PKHD1 ciliary IPT domain containing fibrocystin/polyductin; minus strand). Cytogenetic location: 6p12.3.
Variant type: Deletion.
Identifiers: ClinVar variation 1429214 (VCV001429214.7).